The following is an entry in ClinVar:

NM_022132.5(MCCC2):c.1124T>C (p.Val375Ala)

Gene: MCCC2 (methylcrotonyl-CoA carboxylase subunit 2; plus strand). Cytogenetic location: 5q13.2.
Variant type: single nucleotide variant.
Coding change: c.1124T>C on transcript NM_022132.5 (MANE Select); coding-DNA position 1124, T replaced by C.
Protein change: p.Val375Ala; replaces valine 375 with alanine.
Molecular consequence: missense variant.
Genome position (GRCh38, 1-based): chr5:71,643,870, T>C. VCF-style: chr5-71643870-T-C. GRCh37 (hg19) VCF-style: chr5-70939697-T-C.
Other names: c.1010T>C, p.Val337Ala (NM_001363147.1); short protein forms V337A, V375A.
Identifiers: ClinVar variation 849653 (VCV000849653.9), dbSNP rs752139859, ClinGen allele CA3298034.

ClinVar aggregate classification (germline): Uncertain significance. Review status: criteria provided, single submitter (1 of 4 stars). 2 submissions from 2 submitters: Uncertain significance (1). 1 of the submissions does not count toward it. Last evaluated 2025-09-02.

Conditions:
Methylcrotonyl-CoA carboxylase deficiency. Also called: 3-MCC Deficiency; Deficiency of methylcrotonoyl-CoA carboxylase; 3 Methylcrotonylglycinuria. Identifiers: Orphanet 6, MedGen C4551505, MONDO:0018950.
3-methylcrotonyl-CoA carboxylase 2 deficiency. Also called: 3 alpha methylcrotonyl-CoA carboxylase 2 deficiency; 3 alpha methylcrotonylglycinuria 2; MCC 2 deficiency; Methylcrotonylglycinuria type 2; METHYLCROTONYLGLYCINURIA, TYPE II. Identifiers: Orphanet 6, MedGen C1859499, MONDO:0008862, OMIM 210210.

Allele frequency attached by ClinVar (database versions not stated): gnomAD exomes 0.00001 and 0.00002; ExAC 0.00002.
gnomAD v4.1: 8 of 1,614,108 alleles (0.0005%); highest among the groups gnomAD compares: South Asian, 0.0088%; no homozygotes.

Submissions (2):

Labcorp Genetics (formerly Invitae), Labcorp
Classification: Uncertain significance for 3-methylcrotonyl-CoA carboxylase 2 deficiency. Last evaluated: 2025-09-02. Review status: criteria provided, single submitter. Criteria: Invitae Variant Classification Sherloc (09022015). Collection method: clinical testing. Allele origin: germline.
Comment: This sequence change replaces valine, which is neutral and non-polar, with alanine, which is neutral and non-polar, at codon 375 of the MCCC2 protein (p.Val375Ala). This variant is present in population databases (rs752139859, gnomAD 0.02%). This variant has not been reported in the literature in individuals affected with MCCC2-related conditions. ClinVar contains an entry for this variant (Variation ID: 849653). Invitae Evidence Modeling of protein sequence and biophysical properties (such as structural, functional, and spatial information, amino acid conservation, physicochemical variation, residue mobility, and thermodynamic stability) indicates that this missense variant is not expected to disrupt MCCC2 protein function with a negative predictive value of 80%. In summary, the available evidence is currently insufficient to determine the role of this variant in disease. Therefore, it has been classified as a Variant of Uncertain Significance.

Natera, Inc.
Classification: Uncertain significance for 3-methylcrotonylglycinuria. Last evaluated: 2020-09-16. Review status: no assertion criteria provided. Collection method: clinical testing. Allele origin: germline. Not counted in ClinVar's aggregate classification.